The following is an entry in ClinVar:

NM_201596.3(CACNB2):c.524G>A (p.Ser175Asn)

Gene: CACNB2 (calcium voltage-gated channel auxiliary subunit beta 2; plus strand). Cytogenetic location: 10p12.31.
Variant type: single nucleotide variant.
Coding change: c.524G>A on transcript NM_201596.3 (MANE Select); coding-DNA position 524, G replaced by A.
Protein change: p.Ser175Asn; replaces serine 175 with asparagine.
Molecular consequence: missense variant.
Genome position (GRCh38, 1-based): chr10:18,500,879, G>A. VCF-style: chr10-18500879-G-A. GRCh37 (hg19) VCF-style: chr10-18789808-G-A.
Other names: c.359G>A, p.Ser120Asn (NM_000724.4, NM_001330060.2); c.440G>A, p.Ser147Asn (NM_001167945.2, NM_201571.4, NM_201572.4); c.380G>A, p.Ser127Asn (NM_001410882.1, NM_201570.3); c.362G>A, p.Ser121Asn (NM_201590.3); c.524G>A, p.Ser175Asn (NM_201593.3, NM_201597.3); short protein forms S121N, S127N, S120N, S147N, S175N.
Identifiers: ClinVar variation 2151078 (VCV002151078.4), dbSNP rs2494363583, ClinGen allele CA376057822.

ClinVar aggregate classification (germline): Uncertain significance (1 of 4 stars; one submission).

Conditions:
Brugada syndrome 4 (BRGDA4). Identifiers: Orphanet 130, MedGen C2678477, MONDO:0012743, OMIM 611876.

Submission:

Labcorp Genetics (formerly Invitae), Labcorp
Classification: Uncertain significance for Brugada syndrome 4. Last evaluated: 2025-10-01. Review status: criteria provided, single submitter. Criteria: Invitae Variant Classification Sherloc (09022015). Collection method: clinical testing. Allele origin: germline.
Comment: This sequence change replaces serine, which is neutral and polar, with asparagine, which is neutral and polar, at codon 121 of the CACNB2 protein (p.Ser121Asn). This variant is not present in population databases (gnomAD no frequency). This variant has not been reported in the literature in individuals affected with CACNB2-related conditions. ClinVar contains an entry for this variant (Variation ID: 2151078). Invitae Evidence Modeling of protein sequence and biophysical properties (such as structural, functional, and spatial information, amino acid conservation, physicochemical variation, residue mobility, and thermodynamic stability) indicates that this missense variant is expected to disrupt CACNB2 protein function with a positive predictive value of 80%. In summary, the available evidence is currently insufficient to determine the role of this variant in disease. Therefore, it has been classified as a Variant of Uncertain Significance.